The following is an entry in ClinVar:

ClinVar aggregate classification (germline): Likely benign (1 of 4 stars; one submission).

Submission:

GeneDx
Classification: Likely benign. Last evaluated: 2018-05-15. Review status: criteria provided, single submitter. Criteria: GeneDx Variant Classification (06012015). Collection method: clinical testing. Allele origin: germline. Affected: yes.
Comment: This variant is considered likely benign or benign based on one or more of the following criteria: it is a conservative change, it occurs at a poorly conserved position in the protein, it is predicted to be benign by multiple in silico algorithms, and/or has population frequency not consistent with disease.

NM_203486.3(DLL3):c.978G>A (p.Leu326=)

Gene: DLL3 (delta like canonical Notch ligand 3; plus strand). Cytogenetic location: 19q13.2.
Variant type: single nucleotide variant.
Coding change: c.978G>A on transcript NM_203486.3 (MANE Select); coding-DNA position 978, G replaced by A.
Protein change: p.Leu326=; no amino-acid change (leucine 326 retained).
Molecular consequence: synonymous variant.
Genome position (GRCh38, 1-based): chr19:39,505,336, G>A. VCF-style: chr19-39505336-G-A. GRCh37 (hg19) VCF-style: chr19-39995976-G-A.
Other names: c.978G>A, p.Leu326= (NM_016941.4).
Identifiers: ClinVar variation 668476 (VCV000668476.1), dbSNP rs1600756334, ClinGen allele CA507442714.